The following is an entry in ClinVar:

NM_016441.3(CRIM1):c.331+5G>A

Gene: CRIM1 (cysteine rich transmembrane BMP regulator 1). Cytogenetic location: 2p22.2.
Variant type: single nucleotide variant.
Coding change: c.331+5G>A on transcript NM_016441.3 (MANE Select); 5 bases into the intron after coding-DNA position 331, G replaced by A.
Molecular consequence: intron variant.
Genome position (GRCh38, 1-based): chr2:36,356,628, G>A. VCF-style: chr2-36356628-G-A. GRCh37 (hg19) VCF-style: chr2-36583771-G-A.
Other names: NC_000002.11:g.36583771G>A.
Identifiers: ClinVar variation 777991 (VCV000777991.7), dbSNP rs113549769, ClinGen allele CA1609832.

ClinVar aggregate classification (germline): Benign. Review status: criteria provided, multiple submitters, no conflicts (2 of 4 stars). 3 submissions from 3 submitters: Benign (2). 1 of the submissions does not count toward it. Last evaluated 2018-07-13.

Conditions:
CRIM1-related disorder. Also called: CRIM1-related condition.

Allele frequency attached by ClinVar (database versions not stated): ESP Exome Variant Server 0.00209; gnomAD 0.00248 and 0.00268; 1000 Genomes Project 0.00300; 1000 Genomes Project 30x 0.00312; TOPMed 0.00312.
gnomAD v4.1: 913 of 1,602,680 alleles (0.057%); highest among the groups gnomAD compares: African/African-American, 0.8%; 8 homozygotes.

Submissions (4):

Labcorp Genetics (formerly Invitae), Labcorp
Classification: Benign. Last evaluated: 2018-07-13. Review status: criteria provided, single submitter. Criteria: Invitae Variant Classification Sherloc (09022015). Collection method: clinical testing. Allele origin: germline.

Breakthrough Genomics
Classification: Benign. Review status: criteria provided, single submitter. Criteria: ACMG Guidelines, 2015. Collection method: not provided. Allele origin: germline. Inheritance: Unknown mechanism. Affected: yes.

PreventionGenetics, part of Exact Sciences
Classification: Benign for CRIM1-related condition. Last evaluated: 2019-12-06. Review status: no assertion criteria provided. Collection method: clinical testing. Allele origin: germline. Not counted in ClinVar's aggregate classification.
Comment: This variant is classified as benign based on ACMG/AMP sequence variant interpretation guidelines (Richards et al. 2015 PMID: 25741868, with internal and published modifications).

Dr. Peter K. Rogan Lab, Western University
No classification provided (evidence only). Condition: Ovarian serous cystadenocarcinoma. Review status: no classification provided. Collection method: in vitro. Allele origin: not applicable. Functional consequence: retained intron. Not counted in ClinVar's aggregate classification.